The following is an entry in ClinVar:

Conditions:
Long QT syndrome 5 (LQT5). Identifiers: Orphanet 101016, Orphanet 768, MedGen C1867904, MONDO:0013372, OMIM 613695.

Submission:

Roden Lab, Vanderbilt University Medical Center
No classification provided (evidence only). Condition: Long QT syndrome 5. Review status: no classification provided. Collection method: in vitro. Allele origin: not applicable. Functional consequence: Effect on ion channel function.
ClinVar note: "not provided" was previously submitted as the classification for the variant. However, the classification appeared to be based only on an observation of functional data so it was converted to no classification on 2025-07-30.

NM_000219.6(KCNE1):c.364C>T (p.Leu122Phe)

Gene: KCNE1 (potassium voltage-gated channel subfamily E regulatory subunit 1; minus strand). Cytogenetic location: 21q22.12.
Variant type: single nucleotide variant.
Coding change: c.364C>T on transcript NM_000219.6 (MANE Select); coding-DNA position 364, C replaced by T.
Protein change: p.Leu122Phe; replaces leucine 122 with phenylalanine.
Molecular consequence: missense variant.
Genome position (GRCh38, 1-based): chr21:34,449,271, G>A on the plus strand (C>T on the coding strand, the complement: KCNE1 is on the minus strand). VCF-style: chr21-34449271-G-A. GRCh37 (hg19) VCF-style: chr21-35821569-G-A.
Other names: c.364C>T, p.Leu122Phe (NM_001127668.4, NM_001127669.4, NM_001127670.4 and 4 more transcripts); short protein forms L122F.
Identifiers: ClinVar variation 3373825 (VCV003373825.2).